The following is an entry in ClinVar:

NM_000535.7(PMS2):c.75del (p.Ile26fs)

Gene: PMS2 (PMS1 homolog 2, mismatch repair system component; minus strand). Cytogenetic location: 7p22.1.
Variant type: Deletion.
Coding change: c.75del on transcript NM_000535.7 (MANE Select); coding-DNA position 75, one base deleted (G; older notation c.75delG).
Protein change: p.Ile26fs; shifts the reading frame from isoleucine 26.
Molecular consequence: frameshift variant. On other transcripts: 5 prime UTR variant (38), non-coding transcript variant (1), intron variant (7).
Genome position (GRCh38, 1-based): chr7:6,005,980, C deleted on the plus strand (G on the coding strand, the reverse complement: PMS2 is on the minus strand). VCF-style (leftmost placement, unchanged base first): chr7-6005979-TC-T. GRCh37 (hg19) VCF-style: chr7-6045610-TC-T.
Other names: c.-331del (NM_001322003.2, NM_001322005.2, NM_001322009.2 and 10 more transcripts); c.75del, p.Ile26fs (NM_001322006.2, NM_001322014.2, NM_001406868.1 and 10 more transcripts); c.-141del (NM_001322007.2, NM_001406876.1, NM_001406896.1 and 4 more transcripts); c.-810del (NM_001322011.2, NM_001322012.2); c.-410del (NM_001322015.2, NM_001406875.1, NM_001406877.1 and 2 more transcripts); c.261del, p.Ile88fs (NM_001406866.1); c.-278del (NM_001406894.1, NM_001406899.1, NM_001406904.1 and 5 more transcripts); c.-307del (NM_001406900.1); and 7 more; short protein forms I26fs, I88fs.
Identifiers: ClinVar variation 3663752 (VCV003663752.2).

ClinVar aggregate classification (germline): Pathogenic (1 of 4 stars; one submission).

Conditions:
Hereditary nonpolyposis colorectal neoplasms. Identifiers: MedGen C0009405, MeSH D003123.

Submission:

Labcorp Genetics (formerly Invitae), Labcorp
Classification: Pathogenic for Hereditary nonpolyposis colorectal neoplasms. Last evaluated: 2025-08-09. Review status: criteria provided, single submitter. Criteria: Invitae Variant Classification Sherloc (09022015). Collection method: clinical testing. Allele origin: germline.
Comment: This sequence change creates a premature translational stop signal (p.Ile26Phefs*8) in the PMS2 gene. It is expected to result in an absent or disrupted protein product. Loss-of-function variants in PMS2 are known to be pathogenic (PMID: 21376568, 24362816). This variant is not present in population databases (gnomAD no frequency). This variant has not been reported in the literature in individuals affected with PMS2-related conditions. ClinVar contains an entry for this variant (Variation ID: 3663752). Algorithms developed to predict the effect of sequence changes on RNA splicing suggest that this variant may disrupt the consensus splice site. For these reasons, this variant has been classified as Pathogenic.

Literature cited by the submitters: PubMed 21376568; PubMed 24362816.